The following is an entry in ClinVar:

ClinVar aggregate classification (germline): Benign/Likely benign. Review status: criteria provided, multiple submitters, no conflicts (2 of 4 stars). 7 submissions from 7 submitters: Benign (4); Likely benign (1). 2 of the submissions do not count toward it. Last evaluated 2026-02-03.

Conditions:
HUWE1-related disorder. Also called: HUWE1-related condition.
Inborn genetic diseases. Identifiers: MedGen C0950123, MeSH D030342.
Intellectual developmental disorder, X-linked, syndromic, Turner type. Also called: Intellectual disability, X-linked syndromic, Turner type; X-linked intellectual disability, Turner type. Identifiers: Orphanet 3056, Orphanet 85328, MedGen C2678046, MONDO:0010407, OMIM 309590.

Allele frequency attached by ClinVar (database versions not stated): gnomAD exomes 0.00122 and 0.00330; ExAC 0.00563; gnomAD 0.01158 and 0.01245; TOPMed 0.01315; 1000 Genomes Project 0.01351; 1000 Genomes Project 30x 0.01353; ESP Exome Variant Server 0.01581.
gnomAD v4.1: 2,653 of 1,185,785 alleles (0.22%); highest among the groups gnomAD compares: African/African-American, 4.2%; 45 homozygotes.

Submissions (7):

Labcorp Genetics (formerly Invitae), Labcorp
Classification: Benign. Last evaluated: 2026-02-03. Review status: criteria provided, single submitter. Criteria: Invitae Variant Classification Sherloc (09022015). Collection method: clinical testing. Allele origin: germline.

Fulgent Genetics
Classification: Likely benign for Intellectual developmental disorder, X-linked, syndromic, Turner type. Last evaluated: 2022-05-11. Review status: criteria provided, single submitter. Criteria: ACMG Guidelines, 2015. Collection method: clinical testing. Allele origin: unknown.

GeneDx
Classification: Benign. Last evaluated: 2021-01-22. Review status: criteria provided, single submitter. Criteria: GeneDx Variant Classification Process June 2021. Collection method: clinical testing. Allele origin: germline. Affected: yes.

Center for Pediatric Genomic Medicine, Children's Mercy Hospital and Clinics
Classification: Benign. Last evaluated: 2015-06-04. Review status: criteria provided, single submitter. Criteria: ACMG Guidelines, 2015. Collection method: clinical testing. Allele origin: germline.

Ambry Genetics
Classification: Benign for Inborn genetic diseases. Last evaluated: 2014-12-13. Review status: criteria provided, single submitter. Criteria: Ambry Variant Classification Scheme 2023. Collection method: clinical testing. Allele origin: germline.

PreventionGenetics, part of Exact Sciences
Classification: Benign for HUWE1-related condition. Last evaluated: 2020-04-14. Review status: no assertion criteria provided. Collection method: clinical testing. Allele origin: germline. Not counted in ClinVar's aggregate classification.
Comment: This variant is classified as benign based on ACMG/AMP sequence variant interpretation guidelines (Richards et al. 2015 PMID: 25741868, with internal and published modifications).

Genetic Services Laboratory, University of Chicago
Classification: Likely benign for AllHighlyPenetrant. Review status: no assertion criteria provided. Collection method: clinical testing. Allele origin: germline. Inheritance: X-linked inheritance. Not counted in ClinVar's aggregate classification.
Comment: Likely benign based on allele frequency in 1000 Genomes Project or ESP global frequency and its presence in a patient with a rare or unrelated disease phenotype. NOT Sanger confirmed.

NM_031407.7(HUWE1):c.6031-4T>A

Gene: HUWE1 (HECT, UBA and WWE domain containing E3 ubiquitin protein ligase 1; minus strand). Cytogenetic location: Xp11.22.
Variant type: single nucleotide variant.
Coding change: c.6031-4T>A on transcript NM_031407.7 (MANE Select); 4 bases into the intron before coding-DNA position 6031, T replaced by A.
Molecular consequence: intron variant.
Genome position (GRCh38, 1-based): chrX:53,575,225, A>T on the plus strand (T>A on the coding strand, the complement: HUWE1 is on the minus strand). VCF-style: chrX-53575225-A-T. GRCh37 (hg19) VCF-style: chrX-53602185-A-T.
Identifiers: ClinVar variation 129255 (VCV000129255.25), dbSNP rs139283158, ClinGen allele CA153136.